The following is an entry in ClinVar:

NM_201384.3(PLEC):c.8633G>A (p.Gly2878Asp)

Gene: PLEC (plectin; minus strand). Cytogenetic location: 8q24.3.
Variant type: single nucleotide variant.
Coding change: c.8633G>A on transcript NM_201384.3 (MANE Select); coding-DNA position 8633, G replaced by A.
Protein change: p.Gly2878Asp; replaces glycine 2878 with aspartic acid.
Molecular consequence: missense variant.
Genome position (GRCh38, 1-based): chr8:143,921,188, C>T on the plus strand (G>A on the coding strand, the complement: PLEC is on the minus strand). VCF-style: chr8-143921188-C-T. GRCh37 (hg19) VCF-style: chr8-144995356-C-T.
Other names: c.8714G>A, p.Gly2905Asp (NM_000445.5); c.8591G>A, p.Gly2864Asp (NM_201378.4); c.8567G>A, p.Gly2856Asp (NM_201379.3); c.9044G>A, p.Gly3015Asp (NM_201380.4); c.8537G>A, p.Gly2846Asp (NM_201381.3); c.8633G>A, p.Gly2878Asp (NM_201382.4); c.8645G>A, p.Gly2882Asp (NM_201383.3); short protein forms G2856D, G2878D, G2905D, G2846D, G2864D, G2882D, G3015D.
Identifiers: ClinVar variation 1046343 (VCV001046343.5), dbSNP rs781803407, ClinGen allele CA4925235.

ClinVar aggregate classification (germline): Uncertain significance (1 of 4 stars; one submission).

Conditions:
Epidermolysis bullosa simplex 5B, with muscular dystrophy (EBS5B). Also called: EPIDERMOLYSIS BULLOSA SIMPLEX AND LIMB-GIRDLE MUSCULAR DYSTROPHY; Epidermolysis bullosa simplex with muscular dystrophy. Identifiers: Orphanet 257, MedGen C2931072, MONDO:0009181, OMIM 226670.
Epidermolysis bullosa simplex 5C, with pyloric atresia (EBS5C). Also called: Epidermolysis bullosa simplex with pyloric atresia; PLEC-Related Epidermolysis Bullosa with Pyloric Atresia; PLEC1-Related Epidermolysis Bullosa with Pyloric Atresia. Identifiers: Orphanet 158684, MedGen C2677349, MONDO:0012807, OMIM 612138.
Autosomal recessive limb-girdle muscular dystrophy type 2Q (LGMDR17). Also called: MUSCULAR DYSTROPHY, LIMB-GIRDLE, AUTOSOMAL RECESSIVE 17. Identifiers: Orphanet 254361, MedGen C3150989, MONDO:0013390, OMIM 613723.
Epidermolysis bullosa simplex with nail dystrophy (EBS5D). Identifiers: MedGen C4225309, MONDO:0014661, OMIM 616487.
Epidermolysis bullosa simplex, Ogna type (EBS5A). Also called: Pidermolysis bullosa simplex 5A, Ogna type; EPIDERMOLYSIS BULLOSA SIMPLEX 5A, OGNA TYPE. Identifiers: Orphanet 79401, MedGen C0432317, MONDO:0007555, OMIM 131950.

Allele frequency attached by ClinVar (database versions not stated): gnomAD 0.00001; gnomAD exomes 0.00001; ExAC 0.00002.
gnomAD v4.1: 5 of 1,613,838 alleles (0.00031%); highest among the groups gnomAD compares: African/African-American, 0.004%; no homozygotes.

Submission:

Labcorp Genetics (formerly Invitae), Labcorp
Classification: Uncertain significance for Autosomal recessive limb-girdle muscular dystrophy type 2Q; Epidermolysis bullosa simplex, Ogna type; Epidermolysis bullosa simplex with nail dystrophy; Epidermolysis bullosa simplex 5C, with pyloric atresia; Epidermolysis bullosa simplex 5B, with muscular dystrophy. Last evaluated: 2022-06-08. Review status: criteria provided, single submitter. Criteria: Invitae Variant Classification Sherloc (09022015). Collection method: clinical testing. Allele origin: germline.
Comment: In summary, the available evidence is currently insufficient to determine the role of this variant in disease. Therefore, it has been classified as a Variant of Uncertain Significance. Algorithms developed to predict the effect of missense changes on protein structure and function (SIFT, PolyPhen-2, Align-GVGD) all suggest that this variant is likely to be disruptive. ClinVar contains an entry for this variant (Variation ID: 1046343). This variant has not been reported in the literature in individuals affected with PLEC-related conditions. This variant is present in population databases (rs781803407, gnomAD 0.02%). This sequence change replaces glycine, which is neutral and non-polar, with aspartic acid, which is acidic and polar, at codon 2905 of the PLEC protein (p.Gly2905Asp).